The following is an entry in ClinVar:

NM_025152.3(NUBPL):c.423-1G>T

Gene: NUBPL (NUBP iron-sulfur cluster assembly factor, mitochondrial; plus strand). Cytogenetic location: 14q12.
Variant type: single nucleotide variant.
Coding change: c.423-1G>T on transcript NM_025152.3 (MANE Select); the canonical splice acceptor site of the intron before coding-DNA position 423, G replaced by T.
Molecular consequence: splice acceptor variant.
Genome position (GRCh38, 1-based): chr14:31,673,483, G>T. VCF-style: chr14-31673483-G-T. GRCh37 (hg19) VCF-style: chr14-32142689-G-T.
Other names: c.135-1G>T (NM_001201573.2).
Identifiers: ClinVar variation 2955173 (VCV002955173.3), dbSNP rs863224123, ClinGen allele CA16609636.

ClinVar aggregate classification (germline): Likely pathogenic (1 of 4 stars; one submission).

Allele frequency attached by ClinVar (database versions not stated): TOPMed below 0.00001; gnomAD exomes 0.00001.
gnomAD v4.1: 9 of 1,613,468 alleles (0.00056%); highest among the groups gnomAD compares: Non-Finnish European, 0.00076%; no homozygotes.

Submission:

Labcorp Genetics (formerly Invitae), Labcorp
Classification: Likely pathogenic. Last evaluated: 2024-08-04. Review status: criteria provided, single submitter. Criteria: Invitae Variant Classification Sherloc (09022015). Collection method: clinical testing. Allele origin: germline.
Comment: This sequence change affects an acceptor splice site in intron 5 of the NUBPL gene. It is expected to disrupt RNA splicing. Variants that disrupt the donor or acceptor splice site typically lead to a loss of protein function (PMID: 16199547), and loss-of-function variants in NUBPL are known to be pathogenic (PMID: 23553477, 31917109). This variant is present in population databases (no rsID available, gnomAD 0.004%). This variant has not been reported in the literature in individuals affected with NUBPL-related conditions. Algorithms developed to predict the effect of sequence changes on RNA splicing suggest that this variant may disrupt the consensus splice site. In summary, the currently available evidence indicates that the variant is pathogenic, but additional data are needed to prove that conclusively. Therefore, this variant has been classified as Likely Pathogenic.

Literature cited by the submitters: PubMed 16199547; PubMed 23553477; PubMed 31917109.